The following is an entry in ClinVar:

NM_004208.4(AIFM1):c.1151A>G (p.Lys384Arg)

Genes: AIFM1 (apoptosis inducing factor mitochondria associated 1; minus strand), RAB33A (RAB33A, member RAS oncogene family; plus strand). Cytogenetic location: Xq26.1.
Variant type: single nucleotide variant.
Coding change: c.1151A>G on transcript NM_004208.4 (MANE Select); coding-DNA position 1151, A replaced by G.
Protein change: p.Lys384Arg; replaces lysine 384 with arginine.
Molecular consequence: missense variant. On other transcripts: 3 prime UTR variant (1), non-coding transcript variant (1).
Genome position (GRCh38, 1-based): chrX:130,136,656, T>C on the plus strand (A>G on the coding strand, the complement: AIFM1 is on the minus strand). VCF-style: chrX-130136656-T-C. GRCh37 (hg19) VCF-style: chrX-129270631-T-C.
Other names: c.134A>G, p.Lys45Arg (NM_001130846.4); c.*379A>G (NM_001130847.4); c.1139A>G, p.Lys380Arg (NM_145812.3); short protein forms K380R, K384R, K45R.
Identifiers: ClinVar variation 1002186 (VCV001002186.9), dbSNP rs1217648919, ClinGen allele CA414577640.

ClinVar aggregate classification (germline): Uncertain significance. Review status: criteria provided, multiple submitters, no conflicts (2 of 4 stars). 2 submissions from 2 submitters: Uncertain significance (2). Last evaluated 2024-02-17.

Conditions:
Charcot-Marie-Tooth Neuropathy X. Identifiers: MedGen CN118851.
Combined oxidative phosphorylation deficiency. Identifiers: MedGen C4540031, MONDO:0000732.

Allele frequency attached by ClinVar (database versions not stated): gnomAD exomes below 0.00001; TOPMed below 0.00001; gnomAD 0.00001.
gnomAD v4.1: 5 of 1,208,094 alleles (0.00041%); highest among the groups gnomAD compares: Non-Finnish European, 0.00056%; no homozygotes.

Submissions (2):

Labcorp Genetics (formerly Invitae), Labcorp
Classification: Uncertain significance for Charcot-Marie-Tooth Neuropathy X; Combined oxidative phosphorylation deficiency. Last evaluated: 2024-02-17. Review status: criteria provided, single submitter. Criteria: Invitae Variant Classification Sherloc (09022015). Collection method: clinical testing. Allele origin: germline.
Comment: This sequence change replaces lysine, which is basic and polar, with arginine, which is basic and polar, at codon 384 of the AIFM1 protein (p.Lys384Arg). This variant is not present in population databases (gnomAD no frequency). This variant has not been reported in the literature in individuals affected with AIFM1-related conditions. ClinVar contains an entry for this variant (Variation ID: 1002186). Advanced modeling of protein sequence and biophysical properties (such as structural, functional, and spatial information, amino acid conservation, physicochemical variation, residue mobility, and thermodynamic stability) has been performed at Invitae for this missense variant, however the output from this modeling did not meet the statistical confidence thresholds required to predict the impact of this variant on AIFM1 protein function. In summary, the available evidence is currently insufficient to determine the role of this variant in disease. Therefore, it has been classified as a Variant of Uncertain Significance.

ARUP Laboratories, Molecular Genetics and Genomics, ARUP Laboratories
Classification: Uncertain significance. Last evaluated: 2023-09-21. Review status: criteria provided, single submitter. Criteria: ARUP Molecular Germline Variant Investigation Process 2024. Collection method: clinical testing. Allele origin: germline.
Comment: The AIFM1 c.1151A>G; p.Lys384Arg variant (rs1217648919), to our knowledge, is not reported in the medical literature but is reported in ClinVar (Variation ID: 1002186). This variant is also absent from the Genome Aggregation Database, indicating it is not a common polymorphism. Computational analyses predict that this variant is neutral (REVEL: 0.075). Due to limited information, the clinical significance of this variant is uncertain at this time.